The following is an entry in ClinVar:

GRCh37/hg19 Xq25(chrX:122805421-124676455)x3

Genes: SH2D1A (SH2 domain containing 1A; plus strand), STAG2 (STAG2 cohesin complex component; plus strand), TENM1 (teneurin transmembrane protein 1; minus strand), THOC2 (THO complex subunit 2; minus strand), XIAP (X-linked inhibitor of apoptosis; plus strand). Cytogenetic location: Xq25.
Variant type: copy number gain.
Change: copy number 3 of chrX:122,805,421-124,676,455 (1.87 Mb, GRCh37 coordinates, 1-based), cytogenetic band Xq25.
Identifiers: ClinVar variation 503575 (VCV000503575.3).

ClinVar aggregate classification (germline): Pathogenic (1 of 4 stars; one submission).

Submission:

Clinical Genomics Laboratory, Laboratory for Precision Diagnostics, University of Washington
Classification: Pathogenic. Last evaluated: 2017-07-21. Review status: criteria provided, single submitter. Criteria: Clinical Cytogenomics Laboratory Policy on CNV Interpretation. Collection method: clinical testing. Allele origin: maternal. Affected: yes. Observed: 1 variant allele.

Literature cited by the submitters: PubMed 24733578; PubMed 25677961; PubMed 23637084; PubMed 25450604.